The following is an entry in ClinVar:

ClinVar aggregate classification (germline): Uncertain significance (0 of 4 stars; one submission).

Conditions:
PLXNA4-related disorder. Also called: PLXNA4-related condition.

gnomAD v4.1: 1 of 1,614,066 alleles (0.000062%); highest among the groups gnomAD compares: Admixed American, 0.0017%; no homozygotes.

Submission:

PreventionGenetics, part of Exact Sciences
Classification: Uncertain significance for PLXNA4-related condition. Last evaluated: 2024-03-15. Review status: no assertion criteria provided. Collection method: clinical testing. Allele origin: germline.
Comment: The PLXNA4 c.4511G>A variant is predicted to result in the amino acid substitution p.Cys1504Tyr. To our knowledge, this variant has not been reported in the literature. This variant is reported in 0.0029% of alleles in individuals of Latino descent in gnomAD. At this time, the clinical significance of this variant is uncertain due to the absence of conclusive functional and genetic evidence.

NM_020911.2(PLXNA4):c.4511G>A (p.Cys1504Tyr)

Gene: PLXNA4 (plexin A4; minus strand). Cytogenetic location: 7q32.3.
Variant type: single nucleotide variant.
Coding change: c.4511G>A on transcript NM_020911.2 (MANE Select); coding-DNA position 4511, G replaced by A.
Protein change: p.Cys1504Tyr; replaces cysteine 1504 with tyrosine.
Molecular consequence: missense variant.
Genome position (GRCh38, 1-based): chr7:132,159,622, C>T on the plus strand (G>A on the coding strand, the complement: PLXNA4 is on the minus strand). VCF-style: chr7-132159622-C-T. GRCh37 (hg19) VCF-style: chr7-131844381-C-T.
Other names: c.4511G>A, p.Cys1504Tyr (NM_001393897.1); short protein forms C1504Y.
Identifiers: ClinVar variation 3348206 (VCV003348206.1).